The following is an entry in ClinVar:

ClinVar aggregate classification (germline): Benign/Likely benign. Review status: criteria provided, multiple submitters, no conflicts (2 of 4 stars). 12 submissions from 12 submitters: Benign (7); Likely benign (1). 4 of the submissions do not count toward it. Last evaluated 2026-02-03.

Conditions:
TBX1-related disorder. Also called: TBX1-Related Disorders; TBX1-related condition.
Cardiovascular phenotype. Identifiers: MedGen CN230736.
DiGeorge syndrome. Also called: Catch22; THIRD AND FOURTH PHARYNGEAL POUCH SYNDROME. Identifiers: Orphanet 567, MedGen C0012236, MONDO:0008564, OMIM 188400.

Allele frequency attached by ClinVar (database versions not stated): 1000 Genomes Project 0.01038; 1000 Genomes Project 30x 0.01109; TOPMed 0.02010; ESP Exome Variant Server 0.02305; gnomAD exomes 0.02309; ExAC 0.03337.
gnomAD v4.1: 46,191 of 1,520,306 alleles (3%); highest among the groups gnomAD compares: Non-Finnish European, 3.5%; 831 homozygotes.

Submissions (12):

Labcorp Genetics (formerly Invitae), Labcorp
Classification: Benign for DiGeorge syndrome. Last evaluated: 2026-02-03. Review status: criteria provided, single submitter. Criteria: Invitae Variant Classification Sherloc (09022015). Collection method: clinical testing. Allele origin: germline.

Mayo Clinic Laboratories, Mayo Clinic
Classification: Benign. Last evaluated: 2025-05-06. Review status: criteria provided, single submitter. Criteria: ACMG Guidelines, 2015. Collection method: clinical testing. Allele origin: germline. Observed: 5 variant alleles.
Comment: BS1, BS2, BP4, BP7

Blueprint Genetics
Classification: Likely benign. Last evaluated: 2024-11-28. Review status: criteria provided, single submitter. Criteria: ACMG Guidelines, 2015. Collection method: clinical testing. Allele origin: germline.

Women's Health and Genetics/Laboratory Corporation of America, LabCorp
Classification: Benign. Last evaluated: 2024-11-10. Review status: criteria provided, single submitter. Criteria: LabCorp Variant Classification Summary - May 2015. Collection method: clinical testing. Allele origin: germline.

Athena Diagnostics
Classification: Benign. Last evaluated: 2018-12-31. Review status: criteria provided, single submitter. Criteria: Athena Diagnostics Criteria. Collection method: clinical testing. Allele origin: germline.

Ambry Genetics
Classification: Benign for Cardiovascular phenotype. Last evaluated: 2015-06-19. Review status: criteria provided, single submitter. Criteria: Ambry Variant Classification Scheme 2023. Collection method: clinical testing. Allele origin: germline.

GeneDx
Classification: Benign. Last evaluated: 2015-03-03. Review status: criteria provided, single submitter. Criteria: GeneDx Variant Classification Process June 2021. Collection method: clinical testing. Allele origin: germline. Affected: yes.

Breakthrough Genomics
Classification: Benign. Review status: criteria provided, single submitter. Criteria: ACMG Guidelines, 2015. Collection method: not provided. Allele origin: germline. Inheritance: Autosomal dominant inheritance. Affected: yes.

PreventionGenetics, part of Exact Sciences
Classification: Benign for TBX1-related condition. Last evaluated: 2019-08-05. Review status: no assertion criteria provided. Collection method: clinical testing. Allele origin: germline. Not counted in ClinVar's aggregate classification.
Comment: This variant is classified as benign based on ACMG/AMP sequence variant interpretation guidelines (Richards et al. 2015 PMID: 25741868, with internal and published modifications).

Clinical Genetics, Academic Medical Center
Classification: Benign. Review status: no assertion criteria provided. Collection method: clinical testing. Allele origin: germline. Affected: yes. Study: VKGL Data-share Consensus. Not counted in ClinVar's aggregate classification.

Genome Diagnostics Laboratory, University Medical Center Utrecht
Classification: Benign. Review status: no assertion criteria provided. Collection method: clinical testing. Allele origin: germline. Affected: yes. Study: VKGL Data-share Consensus. Not counted in ClinVar's aggregate classification.

Joint Genome Diagnostic Labs from Nijmegen and Maastricht, Radboudumc and MUMC+
Classification: Benign. Review status: no assertion criteria provided. Collection method: clinical testing. Allele origin: germline. Affected: yes. Study: VKGL Data-share Consensus. Not counted in ClinVar's aggregate classification.

Literature cited by the submitters: PubMed 15060116 (cited by Athena Diagnostics).

NM_001379200.1(TBX1):c.324G>A (p.Ala108=)

Gene: TBX1 (T-box transcription factor 1; plus strand). Cytogenetic location: 22q11.21.
Variant type: single nucleotide variant.
Coding change: c.324G>A on transcript NM_001379200.1 (MANE Select); coding-DNA position 324, G replaced by A.
Protein change: p.Ala108=; no amino-acid change (alanine 108 retained).
Molecular consequence: synonymous variant.
Genome position (GRCh38, 1-based): chr22:19,761,167, G>A. VCF-style: chr22-19761167-G-A. GRCh37 (hg19) VCF-style: chr22-19748690-G-A.
Other names: p.Ala99=; c.297G>A, p.Ala99= (NM_005992.1, NM_080646.2, NM_080647.1).
Identifiers: ClinVar variation 263555 (VCV000263555.27), dbSNP rs72646953, ClinGen allele CA10102395.